The following is an entry in ClinVar:

ClinVar aggregate classification (germline): Uncertain significance (1 of 4 stars; one submission).

Conditions:
Familial melanoma. Also called: Hereditary melanoma; Hereditary cutaneous melanoma. Identifiers: Orphanet 618, MedGen C1512419, MONDO:0018961.

Submission:

Labcorp Genetics (formerly Invitae), Labcorp
Classification: Uncertain significance for Familial melanoma. Last evaluated: 2022-02-21. Review status: criteria provided, single submitter. Criteria: Invitae Variant Classification Sherloc (09022015). Collection method: clinical testing. Allele origin: germline.
Comment: This variant is not present in population databases (gnomAD no frequency). This sequence change falls in intron 7 of the CDK4 gene. It does not directly change the encoded amino acid sequence of the CDK4 protein. This variant has not been reported in the literature in individuals affected with CDK4-related conditions. In summary, the available evidence is currently insufficient to determine the role of this variant in disease. Therefore, it has been classified as a Variant of Uncertain Significance. Algorithms developed to predict the effect of sequence changes on RNA splicing suggest that this variant may create or strengthen a splice site.

NM_000075.4(CDK4):c.819+19G>A

Genes: CDK4 (cyclin dependent kinase 4; minus strand), TSPAN31 (tetraspanin 31; plus strand). Cytogenetic location: 12q14.1.
Variant type: single nucleotide variant.
Coding change: c.819+19G>A on transcript NM_000075.4 (MANE Select); 19 bases into the intron after coding-DNA position 819, G replaced by A.
Molecular consequence: intron variant. On other transcripts: 3 prime UTR variant (3).
Genome position (GRCh38, 1-based): chr12:57,749,163, C>T on the plus strand (G>A on the coding strand, the complement: CDK4 is on the minus strand). VCF-style: chr12-57749163-C-T. GRCh37 (hg19) VCF-style: chr12-58142946-C-T.
Other names: c.*1873C>T (NM_001330168.2, NM_001330169.2, NM_005981.5).
Identifiers: ClinVar variation 1976560 (VCV001976560.5), dbSNP rs2140382514, ClinGen allele CA2580086585.